The following is an entry in ClinVar:

NM_005861.4(STUB1):c.604G>A (p.Ala202Thr)

Genes: JMJD8 (jumonji domain containing 8; minus strand), STUB1 (STIP1 homology and U-box containing protein 1; plus strand). Cytogenetic location: 16p13.3.
Variant type: single nucleotide variant.
Coding change: c.604G>A on transcript NM_005861.4 (MANE Select); coding-DNA position 604, G replaced by A.
Protein change: p.Ala202Thr; replaces alanine 202 with threonine.
Molecular consequence: missense variant. On other transcripts: 3 prime UTR variant (5), non-coding transcript variant (3).
Genome position (GRCh38, 1-based): chr16:681,872, G>A. VCF-style: chr16-681872-G-A. GRCh37 (hg19) VCF-style: chr16-731872-G-A.
Other names: c.388G>A, p.Ala130Thr (NM_001293197.2); c.*922C>T (NM_001005920.4, NM_001323919.3, NM_001323920.3); c.*956C>T (NM_001323918.3, NM_001323922.3); short protein forms A130T, A202T.
Identifiers: ClinVar variation 3907160 (VCV003907160.1).
Genomic context (GRCh38, chr16:681,872, plus strand): 5'-CGAAACCACGAGGGTGATGAGGACGACAGCCACGTCCGGGCCCAGCAGGCCTGCATTGAG[G>A]CCAAGCACGTGAGGGTGCCCCCCACCCACATGTGGGTCTGTGTGTGTGCACGTGGCGTGG-3'
Protein context (NP_005852.2, residues 192-212): HVRAQQACIE[Ala202Thr]KHDKYMADMD

ClinVar aggregate classification (germline): Uncertain significance (1 of 4 stars; one submission).

Submission:

Women's Health and Genetics/Laboratory Corporation of America, LabCorp
Classification: Uncertain significance. Last evaluated: 2025-06-12. Review status: criteria provided, single submitter. Criteria: LabCorp Variant Classification Summary - May 2015. Collection method: clinical testing. Allele origin: germline.
Comment: Variant summary: STUB1 c.604G>A (p.Ala202Thr) results in a non-conservative amino acid change in the encoded protein sequence. Algorithms developed to predict the effect of missense changes on protein structure and function are either unavailable or do not agree on the potential impact of this missense change. The variant was absent in 249790 control chromosomes. The available data on variant occurrences in the general population are insufficient to allow any conclusion about variant significance. To our knowledge, no occurrence of c.604G>A in individuals affected with Autosomal Recessive Spinocerebellar Ataxia 16 and no experimental evidence demonstrating its impact on protein function have been reported. No submitters have cited clinical-significance assessments for this variant to ClinVar. Based on the evidence outlined above, the variant was classified as uncertain significance.